The following is an entry in ClinVar:

NM_022124.6(CDH23):c.3644G>A (p.Arg1215His)

Genes: C10orf105 (chromosome 10 open reading frame 105; minus strand), CDH23 (cadherin related 23; plus strand). Cytogenetic location: 10q22.1.
Variant type: single nucleotide variant.
Coding change: c.3644G>A on transcript NM_022124.6 (MANE Select); coding-DNA position 3644, G replaced by A.
Protein change: p.Arg1215His; replaces arginine 1215 with histidine.
Molecular consequence: missense variant. On other transcripts: intron variant (1).
Genome position (GRCh38, 1-based): chr10:71,730,533, G>A. VCF-style: chr10-71730533-G-A. GRCh37 (hg19) VCF-style: chr10-73490290-G-A.
Other names: c.3644G>A, p.Arg1215His (NM_001171930.2); c.-6+7195C>T (NM_001168390.2); short protein forms R1215H.
Identifiers: ClinVar variation 1376738 (VCV001376738.5), dbSNP rs373422805, ClinGen allele CA5544795.
Genomic context (GRCh38, chr10:71,730,533, plus strand): 5'-TTGTGTACGTGGAGGACATCAACGATGAGGCCCCCGTGTTCACACAGCAGCAGTACAGCC[G>A]TCTGGGGCTTCGAGAGACCGCAGGCATTGGAACGTCAGTCATCGTGGTCCAAGCCACAGA-3'
Protein context (NP_071407.4, residues 1205-1225): APVFTQQQYS[Arg1215His]LGLRETAGIG

ClinVar aggregate classification (germline): Uncertain significance. Review status: criteria provided, multiple submitters, no conflicts (2 of 4 stars). 2 submissions from 2 submitters: Uncertain significance (2). Last evaluated 2024-01-23.

Allele frequency attached by ClinVar (database versions not stated): ESP Exome Variant Server 0.00008; gnomAD 0.00004 and 0.00003; gnomAD exomes 0.00002; ExAC 0.00003.
gnomAD v4.1: 33 of 1,613,950 alleles (0.002%); highest among the groups gnomAD compares: East Asian, 0.0089%; no homozygotes.

Submissions (2):

Blueprint Genetics
Classification: Uncertain significance. Last evaluated: 2024-01-23. Review status: criteria provided, single submitter. Criteria: ACMG Guidelines, 2015. Collection method: clinical testing. Allele origin: germline.

Labcorp Genetics (formerly Invitae), Labcorp
Classification: Uncertain significance. Last evaluated: 2022-08-23. Review status: criteria provided, single submitter. Criteria: Invitae Variant Classification Sherloc (09022015). Collection method: clinical testing. Allele origin: germline.
Comment: This sequence change replaces arginine, which is basic and polar, with histidine, which is basic and polar, at codon 1215 of the CDH23 protein (p.Arg1215His). This variant is present in population databases (rs373422805, gnomAD 0.01%). This variant has not been reported in the literature in individuals affected with CDH23-related conditions. ClinVar contains an entry for this variant (Variation ID: 1376738). Algorithms developed to predict the effect of missense changes on protein structure and function are either unavailable or do not agree on the potential impact of this missense change (SIFT: "Tolerated"; PolyPhen-2: "Not Available"; Align-GVGD: "Class C0"). In summary, the available evidence is currently insufficient to determine the role of this variant in disease. Therefore, it has been classified as a Variant of Uncertain Significance.